The following is an entry in ClinVar:

ClinVar aggregate classification (germline): Uncertain significance (1 of 4 stars; one submission).

Conditions:
46,XX ovarian dysgenesis-short stature syndrome (ODG4). Also called: OVARIAN DYSGENESIS 4. Identifiers: Orphanet 444048, MedGen C4015409, MONDO:0014520, OMIM 616185.

Allele frequency attached by ClinVar (database versions not stated): TOPMed 0.00001; ExAC 0.00001; gnomAD 0.00001.
gnomAD v4.1: 9 of 1,613,936 alleles (0.00056%); highest among the groups gnomAD compares: African/African-American, 0.004%; no homozygotes.

Submission:

Lupski Lab, Baylor-Hopkins CMG, Baylor College of Medicine
Classification: Uncertain significance for 46,XX ovarian dysgenesis-short stature syndrome. Last evaluated: 2019-04-22. Review status: criteria provided, single submitter. Criteria: Jolly et al. (J Clin Endocrinol Metab. 2019). Collection method: research. Allele origin: inherited, unknown. Inheritance: Autosomal recessive inheritance. Affected: yes and no. Observed: 3 variant alleles, 2 heterozygotes, 1 homozygote. Clinical features observed: Hypergonadotropic hypogonadism (HP:0000815), Osteoporosis (HP:0000939).

NM_017696.3(MCM9):c.220C>T (p.Arg74Ter)

Gene: MCM9 (minichromosome maintenance 9 homologous recombination repair factor; minus strand). Cytogenetic location: 6q22.31.
Variant type: single nucleotide variant.
Coding change: c.220C>T on transcript NM_017696.3 (MANE Select); coding-DNA position 220, C replaced by T.
Protein change: p.Arg74Ter; replaces arginine 74 with a stop codon.
Molecular consequence: nonsense. On other transcripts: 5 prime UTR variant (6), non-coding transcript variant (2).
Genome position (GRCh38, 1-based): chr6:118,931,504, G>A on the plus strand (C>T on the coding strand, the complement: MCM9 is on the minus strand). VCF-style: chr6-118931504-G-A. GRCh37 (hg19) VCF-style: chr6-119252669-G-A.
Other names: c.220C>T, p.Arg74Ter (NM_001378356.1, NM_001378357.1, NM_001378358.1 and 9 more transcripts); c.-70C>T (NM_001378361.1, NM_001378362.1, NM_001378363.1 and 3 more transcripts); short protein forms R74*.
Identifiers: ClinVar variation 812138 (VCV000812138.1), dbSNP rs760702305, ClinGen allele CA3978764.